The following is an entry in ClinVar:

NM_001378454.1(ALMS1):c.2182C>A (p.Gln728Lys)

Gene: ALMS1 (ALMS1 centrosome and basal body associated protein; plus strand). Cytogenetic location: 2p13.1.
Variant type: single nucleotide variant.
Coding change: c.2182C>A on transcript NM_001378454.1 (MANE Select); coding-DNA position 2182, C replaced by A.
Protein change: p.Gln728Lys; replaces glutamine 728 with lysine.
Molecular consequence: missense variant.
Genome position (GRCh38, 1-based): chr2:73,448,709, C>A. VCF-style: chr2-73448709-C-A. GRCh37 (hg19) VCF-style: chr2-73675836-C-A.
Other names: c.2185C>A, p.Gln729Lys (NM_015120.4); short protein forms Q728K, Q729K.
Identifiers: ClinVar variation 1314226 (VCV001314226.4), dbSNP rs1671859807, ClinGen allele CA347267089.

ClinVar aggregate classification (germline): Uncertain significance. Review status: criteria provided, multiple submitters, no conflicts (2 of 4 stars). 2 submissions from 2 submitters: Uncertain significance (2). Last evaluated 2025-12-26.

Allele frequency attached by ClinVar (database versions not stated): gnomAD 0.00001.
gnomAD v4.1: 1 of 1,605,180 alleles (0.000062%); highest among the groups gnomAD compares: Non-Finnish European, 0.000085%; no homozygotes.

Submissions (2):

Dasa
Classification: Uncertain significance. Last evaluated: 2025-12-26. Review status: criteria provided, single submitter. Criteria: DASA Assertion Criteria. Collection method: clinical testing. Allele origin: germline.
Comment: NM_001378454.1(ALMS1):c.2182C>A (p.Gln728Lys) is a missense variant that results in the substitution of glutamine with lysine. This variant is rare in population databases. Computational prediction algorithms are consistent with a benign effect. The currently available literature and clinical evidence are not sufficient to establish a definitive association between this variant and the reported condition. Therefore, this variant is classified as a variant of uncertain significance.

GeneDx
Classification: Uncertain significance. Last evaluated: 2021-03-23. Review status: criteria provided, single submitter. Criteria: GeneDx Variant Classification Process June 2021. Collection method: clinical testing. Allele origin: germline. Affected: yes.
Comment: Not observed in large population cohorts (Lek et al., 2016); In silico analysis supports that this missense variant does not alter protein structure/function; Has not been previously published as pathogenic or benign to our knowledge